The following is an entry in ClinVar:

ClinVar aggregate classification (germline): Pathogenic. Review status: criteria provided, multiple submitters, no conflicts (2 of 4 stars). 2 submissions from 2 submitters: Pathogenic (2). Last evaluated 2024-03-13.

Conditions:
Autosomal recessive multiple pterygium syndrome. Also called: PTERYGIUM COLLI SYNDROME; PTERYGIUM SYNDROME; PTERYGIUM UNIVERSALE; MULTIPLE PTERYGIUM SYNDROME, ESCOBAR VARIANT. Identifiers: Orphanet 2990, MedGen C0265261, MONDO:0009926, OMIM 265000.
Lethal multiple pterygium syndrome (LMPS). Identifiers: Orphanet 33108, MedGen C1854678, MONDO:0009668, OMIM 253290.

Allele frequency attached by ClinVar (database versions not stated): ExAC 0.00001; gnomAD exomes 0.00001; TOPMed 0.00001.

Submissions (2):

Fulgent Genetics
Classification: Pathogenic for Lethal multiple pterygium syndrome; Autosomal recessive multiple pterygium syndrome. Last evaluated: 2024-03-13. Review status: criteria provided, single submitter. Criteria: ACMG Guidelines, 2015. Collection method: clinical testing. Allele origin: germline.

Labcorp Genetics (formerly Invitae), Labcorp
Classification: Pathogenic. Last evaluated: 2024-03-13. Review status: criteria provided, single submitter. Criteria: Invitae Variant Classification Sherloc (09022015). Collection method: clinical testing. Allele origin: germline.
Comment: This sequence change creates a premature translational stop signal (p.Gly270Trpfs*28) in the CHRNG gene. It is expected to result in an absent or disrupted protein product. Loss-of-function variants in CHRNG are known to be pathogenic (PMID: 16826520). This variant is present in population databases (rs778176530, gnomAD 0.002%). This premature translational stop signal has been observed in individual(s) with clinical features of multiple pterygium syndrome (PMID: 16826520, 30287924). For these reasons, this variant has been classified as Pathogenic.

Literature cited by the submitters: PubMed 16826520 (cited by Labcorp Genetics (formerly Invitae), Labcorp); PubMed 30287924 (cited by Labcorp Genetics (formerly Invitae), Labcorp).

NM_005199.5(CHRNG):c.807dup (p.Gly270fs)

Gene: CHRNG (cholinergic receptor nicotinic gamma subunit; plus strand). Cytogenetic location: 2q37.1.
Variant type: Duplication.
Coding change: c.807dup on transcript NM_005199.5 (MANE Select); coding-DNA position 807, one base duplicated (T; older notation c.807dupT).
Protein change: p.Gly270fs; shifts the reading frame from glycine 270.
Molecular consequence: frameshift variant.
Genome position (GRCh38, 1-based): chr2:232,543,276, T duplicated. VCF-style (leftmost placement, unchanged base first): chr2-232543275-C-CT. GRCh37 (hg19) VCF-style: chr2-233407985-C-CT.
Other names: short protein forms G270fs.
Identifiers: ClinVar variation 2859850 (VCV002859850.4), dbSNP rs778176530, ClinGen allele CA2168819.